The following is an entry in ClinVar:

ClinVar aggregate classification (germline): Likely pathogenic (1 of 4 stars; one submission).

Conditions:
Cardiovascular phenotype. Identifiers: MedGen CN230736.

Submission:

Ambry Genetics
Classification: Likely pathogenic for Cardiovascular phenotype. Last evaluated: 2026-04-14. Review status: criteria provided, single submitter. Criteria: Ambry Variant Classification Scheme 2023. Collection method: clinical testing. Allele origin: germline.
Comment: The c.7151dupC variant, located in coding exon 29 of the TTN gene, results from a duplication of C at nucleotide position 7151, causing a translational frameshift with a predicted alternate stop codon (p.A2385Sfs*14). This exon is located in the I-band region of the N2-B isoform of the titin protein and is constitutively expressed in TTN transcripts (percent spliced in or PSI 100%). This variant is considered to be rare based on population cohorts in the Genome Aggregation Database (gnomAD). This variant is expected to result in loss of function by premature protein truncation or nonsense-mediated mRNA decay. While truncating variants in TTN are present in 1-3% of the general population, truncating variants in the A-band are the most common cause of dilated cardiomyopathy (Herman DS et al. N. Engl. J. Med., 2012 Feb;366:619-28; Roberts AM et al. Sci Transl Med, 2015 Jan;7:270ra6). TTN truncating variants encoded in constitutive exons (PSI >90%) have been found to be significantly associated with DCM regardless of their position in titin (Schafer S et al. Nat. Genet., 2017 01;49:46-53; Akhtar MM et al. Circ Heart Fail, 2020 Oct;13:e006832; Massier M et al. Clin Genet, 2025 Jan). Based on the majority of available evidence to date, this variant is likely to be pathogenic.

NM_001267550.2(TTN):c.7289dup (p.Ala2431fs)

Genes: TTN (titin; minus strand), LOC126806433 (BRD4-independent group 4 enhancer GRCh37_chr2:179638309-179639508; plus strand). Cytogenetic location: 2q31.2.
Variant type: Duplication.
Coding change: c.7289dup on transcript NM_001267550.2 (MANE Select); coding-DNA position 7289, one base duplicated (C; older notation c.7289dupC).
Protein change: p.Ala2431fs; shifts the reading frame from alanine 2431.
Molecular consequence: frameshift variant.
Genome position (GRCh38, 1-based): chr2:178,773,879, G duplicated on the plus strand (C on the coding strand, the reverse complement: TTN is on the minus strand); the first of 2 consecutive G bases (chr2:178,773,879-178,773,880); duplicating either gives the same sequence. VCF-style (leftmost placement, unchanged base first): chr2-178773878-T-TG. GRCh37 (hg19) VCF-style: chr2-179638605-T-TG.
Other names: c.7289dup, p.Ala2431fs (NM_133378.4, NM_133379.5, NM_001256850.1); c.7151dup, p.Ala2385fs (NM_133432.3, NM_133437.4, NM_003319.4); c.7151dupC (NM_003319.4); short protein forms A2385fs, A2431fs.
Identifiers: ClinVar variation 4866197 (VCV004866197.1).